The following is an entry in ClinVar:

ClinVar aggregate classification (germline): Conflicting classifications of pathogenicity. Review status: criteria provided, conflicting classifications (1 of 4 stars). 5 submissions from 5 submitters: Uncertain significance (4); Likely benign (1). Last evaluated 2025-11-22.

Conditions:
Hereditary cancer-predisposing syndrome. Also called: Tumor predisposition; Hereditary Cancer Syndrome; Hereditary neoplastic syndrome; Neoplastic Syndromes, Hereditary. Identifiers: Orphanet 140162, MedGen C0027672, MeSH D009386, MONDO:0015356.
Hereditary breast ovarian cancer syndrome. Also called: Breast and ovarian cancer; Hereditary breast and ovarian cancer syndrome; Hereditary breast and ovarian cancer; BRCA1- and BRCA2-Associated Hereditary Breast and Ovarian Cancer; Hereditary breast and ovarian cancer syndrome (HBOC); Hereditary breast and/or ovarian cancer syndrome. Identifiers: Orphanet 145, MedGen C0677776, MeSH D061325, MONDO:0003582. Disease mechanism: loss of function.
Breast-ovarian cancer, familial, susceptibility to, 2 (BROVCA2). Also called: BRCA2 Hereditary Breast and Ovarian Cancer. Identifiers: Orphanet 145, MedGen C2675520, MONDO:0012933, OMIM 612555. Disease mechanism: loss of function.
Familial cancer of breast. Also called: BREAST CANCER, FAMILIAL; hereditary breast carcinoma; Hereditary breast cancer. Identifiers: Orphanet 227535, MedGen C0346153, MONDO:0016419, OMIM 114480. Disease mechanism: loss of function.

Allele frequency attached by ClinVar (database versions not stated): gnomAD exomes below 0.00001.
gnomAD v4.1: 1 of 1,601,832 alleles (0.000062%); highest among the groups gnomAD compares: Non-Finnish European, 0.000086%; no homozygotes.

Submissions (5):

Labcorp Genetics (formerly Invitae), Labcorp
Classification: Uncertain significance for Hereditary breast ovarian cancer syndrome. Last evaluated: 2025-11-22. Review status: criteria provided, single submitter. Criteria: Invitae Variant Classification Sherloc (09022015). Collection method: clinical testing. Allele origin: germline.
Comment: This sequence change replaces proline, which is neutral and non-polar, with threonine, which is neutral and polar, at codon 133 of the BRCA2 protein (p.Pro133Thr). This variant is present in population databases (rs571823764, gnomAD 0.0009%). This variant has not been reported in the literature in individuals affected with BRCA2-related conditions. ClinVar contains an entry for this variant (Variation ID: 185208). Invitae Evidence Modeling of protein sequence and biophysical properties (such as structural, functional, and spatial information, amino acid conservation, physicochemical variation, residue mobility, and thermodynamic stability) indicates that this missense variant is not expected to disrupt BRCA2 protein function with a negative predictive value of 95%. In summary, the available evidence is currently insufficient to determine the role of this variant in disease. Therefore, it has been classified as a Variant of Uncertain Significance.

MGZ Medical Genetics Center
Classification: Likely benign for Familial cancer of breast. Last evaluated: 2024-02-09. Review status: criteria provided, single submitter. Criteria: CSpec BRCA1/2ACMG Rules Specifications V1.1.0. Collection method: clinical testing. Allele origin: germline. Affected: yes.
Comment: ACMG codes applied following ENIGMA VCEP rules: BP1_STR, PM2_SUP

Institute for Clinical Genetics, University Hospital TU Dresden, University Hospital TU Dresden
Classification: Uncertain significance. Last evaluated: 2022-12-16. Review status: criteria provided, single submitter. Criteria: ACMG Guidelines, 2015. Collection method: clinical testing. Allele origin: germline.
Comment: PM2_SUP, BP4_SUP

Institute of Human Genetics, University of Leipzig Medical Center
Classification: Uncertain significance for Breast-ovarian cancer, familial, susceptibility to, 2. Last evaluated: 2021-06-25. Review status: criteria provided, single submitter. Criteria: ACMG Guidelines, 2015. Collection method: clinical testing. Allele origin: unknown. Affected: yes.

Ambry Genetics
Classification: Uncertain significance for Hereditary cancer-predisposing syndrome. Last evaluated: 2014-05-22. Review status: criteria provided, single submitter. Criteria: Ambry Variant Classification Scheme 2023. Collection method: clinical testing. Allele origin: germline.
Comment: The p.P133T variant (also known as c.397C>A and 625C>A), located in coding exon 3 of the BRCA2 gene, results from a C to A substitution at nucleotide position 397. The proline at codon 133 is replaced by threonine, an amino acid with highly similar properties. This variant was not reported in population based cohorts in the following databases: Database of Single Nucleotide Polymorphisms (dbSNP), NHLBI Exome Sequencing Project (ESP), and 1000 Genomes Project. To date, this alteration has been detected with an allele frequency of approximately 0.002% (greater than 64,000 alleles tested) in our clinical cohort (includes this individual). This amino acid position is highly conserved in available vertebrate species. In addition, this alteration is predicted to be probably damaging by PolyPhen but tolerated by SIFT in silico analyses. Since supporting evidence is limited at this time, the clinical significance of p.P133T remains unclear.

NM_000059.4(BRCA2):c.397C>A (p.Pro133Thr)

Gene: BRCA2 (BRCA2 DNA repair associated; plus strand). Cytogenetic location: 13q13.1.
Variant type: single nucleotide variant.
Coding change: c.397C>A on transcript NM_000059.4 (MANE Select); coding-DNA position 397, C replaced by A.
Protein change: p.Pro133Thr; replaces proline 133 with threonine.
Molecular consequence: missense variant.
Genome position (GRCh38, 1-based): chr13:32,325,156, C>A. VCF-style: chr13-32325156-C-A. GRCh37 (hg19) VCF-style: chr13-32899293-C-A.
Other names: short protein forms P133T.
Identifiers: ClinVar variation 185208 (VCV000185208.18), dbSNP rs571823764, ClinGen allele CA019322.